The following is an entry in ClinVar:

ClinVar aggregate classification (germline): Uncertain significance (1 of 4 stars; one submission).

Conditions:
Hereditary cancer-predisposing syndrome. Also called: Hereditary neoplastic syndrome; Neoplastic Syndromes, Hereditary; Tumor predisposition; Hereditary Cancer Syndrome. Identifiers: Orphanet 140162, MedGen C0027672, MeSH D009386, MONDO:0015356.

Submission:

Ambry Genetics
Classification: Uncertain significance for Hereditary cancer-predisposing syndrome. Last evaluated: 2025-08-27. Review status: criteria provided, single submitter. Criteria: Ambry Variant Classification Scheme 2023. Collection method: clinical testing. Allele origin: germline.
Comment: The p.P213A variant (also known as c.637C>G), located in coding exon 8 of the MUTYH gene, results from a C to G substitution at nucleotide position 637. The proline at codon 213 is replaced by alanine, an amino acid with highly similar properties. This amino acid position is conserved. In addition, this alteration is predicted to be deleterious by in silico analysis. Based on the available evidence, the clinical significance of this variant remains unclear.

NM_001048174.2(MUTYH):c.553C>G (p.Pro185Ala)

Gene: MUTYH (mutY DNA glycosylase; minus strand). Cytogenetic location: 1p34.1.
Variant type: single nucleotide variant.
Coding change: c.553C>G on transcript NM_001048174.2 (MANE Select); coding-DNA position 553, C replaced by G.
Protein change: p.Pro185Ala; replaces proline 185 with alanine.
Molecular consequence: missense variant. On other transcripts: non-coding transcript variant (7).
Genome position (GRCh38, 1-based): chr1:45,332,627, G>C on the plus strand (C>G on the coding strand, the complement: MUTYH is on the minus strand). VCF-style: chr1-45332627-G-C. GRCh37 (hg19) VCF-style: chr1-45798299-G-C.
Other names: c.208C>G, p.Pro70Ala (NM_001350650.2, NM_001350651.2, NM_001407082.1); c.586C>G, p.Pro196Ala (NM_001407069.1, NM_001407077.1, NM_001293191.2); c.553C>G, p.Pro185Ala (NM_001407070.1, NM_001407072.1, NM_001407073.1 and 6 more transcripts); c.556C>G, p.Pro186Ala (NM_001407071.1, NM_001407078.1, NM_001048172.2 and 1 more transcripts); c.469C>G, p.Pro157Ala (NM_001407075.1); c.514C>G, p.Pro172Ala (NM_001407079.1); c.511C>G, p.Pro171Ala (NM_001407080.1); c.637C>G, p.Pro213Ala (NM_001128425.2); and 5 more; short protein forms P171A, P172A, P185A, P157A, P186A, P196A, P199A, P70A.
Identifiers: ClinVar variation 4113782 (VCV004113782.1).